The following is an entry in ClinVar:

ClinVar aggregate classification (germline): Benign/Likely benign. Review status: criteria provided, multiple submitters, no conflicts (2 of 4 stars). 2 submissions from 2 submitters: Benign (1); Likely benign (1). Last evaluated 2026-04-29.

Conditions:
Colorectal cancer, hereditary nonpolyposis, type 7. Identifiers: Orphanet 144, MedGen C1858380, MONDO:0013725, OMIM 614385.

Allele frequency attached by ClinVar (database versions not stated): gnomAD 0.00001; TOPMed 0.00001.
gnomAD v4.1: 1 of 1,614,096 alleles (0.000062%); highest among the groups gnomAD compares: Admixed American, 0.0017%; no homozygotes.

Submissions (2):

Myriad Genetics, Inc.
Classification: Benign for Colorectal cancer, hereditary nonpolyposis, type 7. Last evaluated: 2026-04-29. Review status: criteria provided, single submitter. Criteria: Myriad Autosomal Dominant, Autosomal Recessive and X-Linked Classification Criteria (2023). Collection method: clinical testing. Allele origin: unknown.
Comment: This variant is considered benign. This variant is a silent/synonymous amino acid change and it is not expected to impact splicing.

Ambry Genetics
Classification: Likely benign. Last evaluated: 2019-10-25. Review status: criteria provided, single submitter. Criteria: Ambry Variant Classification Scheme 2023. Collection method: clinical testing. Allele origin: germline.

NM_001040108.2(MLH3):c.978T>G (p.Thr326=)

Gene: MLH3 (mutL homolog 3; minus strand). Cytogenetic location: 14q24.3.
Variant type: single nucleotide variant.
Coding change: c.978T>G on transcript NM_001040108.2 (MANE Select); coding-DNA position 978, T replaced by G.
Protein change: p.Thr326=; no amino-acid change (threonine 326 retained).
Molecular consequence: synonymous variant.
Genome position (GRCh38, 1-based): chr14:75,048,678, A>C on the plus strand (T>G on the coding strand, the complement: MLH3 is on the minus strand). VCF-style: chr14-75048678-A-C. GRCh37 (hg19) VCF-style: chr14-75515381-A-C.
Other names: c.978T>G, p.Thr326= (NM_014381.3).
Identifiers: ClinVar variation 1768211 (VCV001768211.3), dbSNP rs1274857730, ClinGen allele CA487274110.